The following is an entry in ClinVar:

NM_004560.4(ROR2):c.888C>T (p.Asp296=)

Gene: ROR2 (ROR family WNT receptor 2; minus strand). Cytogenetic location: 9q22.31.
Variant type: single nucleotide variant.
Coding change: c.888C>T on transcript NM_004560.4 (MANE Select); coding-DNA position 888, C replaced by T.
Protein change: p.Asp296=; no amino-acid change (aspartic acid 296 retained).
Molecular consequence: synonymous variant.
Genome position (GRCh38, 1-based): chr9:91,733,171, G>A on the plus strand (C>T on the coding strand, the complement: ROR2 is on the minus strand). VCF-style: chr9-91733171-G-A. GRCh37 (hg19) VCF-style: chr9-94495453-G-A.
Other names: c.888C>T, p.Asp296= (NM_001318204.2); c.888C>T (NM_004560.3).
Identifiers: ClinVar variation 1513231 (VCV001513231.11), dbSNP rs755825636, ClinGen allele CA5120865.

ClinVar aggregate classification (germline): Likely benign. Review status: criteria provided, multiple submitters, no conflicts (2 of 4 stars). 3 submissions from 3 submitters: Likely benign (2). 1 of the submissions does not count toward it. Last evaluated 2025-12-10.

Conditions:
ROR2-related disorder. Also called: ROR2-related disorders; ROR2-related condition.
Autosomal recessive Robinow syndrome (RRS1). Also called: ROR2-Related Robinow Syndrome; ROBINOW SYNDROME, AUTOSOMAL RECESSIVE 1; COSTOVERTEBRAL SEGMENTATION DEFECT WITH MESOMELIA; COVESDEM SYNDROME. Identifiers: Orphanet 1507, Orphanet 97360, MedGen C5399974, MONDO:0009999, OMIM 268310.
Brachydactyly type B1 (BDB1). Identifiers: Orphanet 572385, Orphanet 93383, MedGen C1862112, MONDO:0007220, OMIM 113000.

Allele frequency attached by ClinVar (database versions not stated): gnomAD exomes 0.00003; ExAC 0.00004; gnomAD 0.00004; TOPMed 0.00005.
gnomAD v4.1: 38 of 1,608,004 alleles (0.0024%); highest among the groups gnomAD compares: Middle Eastern, 0.016%; no homozygotes.

Submissions (3):

Labcorp Genetics (formerly Invitae), Labcorp
Classification: Likely benign. Last evaluated: 2025-12-10. Review status: criteria provided, single submitter. Criteria: Invitae Variant Classification Sherloc (09022015). Collection method: clinical testing. Allele origin: germline.

Fulgent Genetics
Classification: Likely benign for Brachydactyly type B1; Autosomal recessive Robinow syndrome. Last evaluated: 2021-10-15. Review status: criteria provided, single submitter. Criteria: ACMG Guidelines, 2015. Collection method: clinical testing. Allele origin: unknown.

PreventionGenetics, part of Exact Sciences
Classification: Likely benign for ROR2-related condition. Last evaluated: 2019-03-21. Review status: no assertion criteria provided. Collection method: clinical testing. Allele origin: germline. Not counted in ClinVar's aggregate classification.
Comment: This variant is classified as likely benign based on ACMG/AMP sequence variant interpretation guidelines (Richards et al. 2015 PMID: 25741868, with internal and published modifications).